The following is an entry in ClinVar:

NM_001256317.3(TMPRSS3):c.446+41_446+44del

Gene: TMPRSS3 (transmembrane serine protease 3; minus strand). Cytogenetic location: 21q22.3.
Variant type: Microsatellite.
Coding change: c.446+41_446+44del on transcript NM_001256317.3 (MANE Select); bases 41 to 44 of the intron after coding-DNA position 446, 4 bases deleted (AGAG; older notation c.446+41_446+44delAGAG).
Molecular consequence: intron variant.
Genome position (GRCh38, 1-based): chr21:42,388,359-42,388,362, CTCT deleted on the plus strand (AGAG on the coding strand, the reverse complement: TMPRSS3 is on the minus strand); deleting any 4 consecutive bases within chr21:42,388,359-42,388,364 gives the same sequence; the c. name uses the placement nearest the transcript's 3' end. VCF-style (leftmost placement, unchanged base first): chr21-42388358-CCTCT-C. GRCh37 (hg19) VCF-style: chr21-43808467-CCTCT-C.
Other names: c.446+41_446+44del (NM_024022.4, NM_032405.2); c.65+41_65+44del (NM_032404.3).
Identifiers: ClinVar variation 3066234 (VCV003066234.1), dbSNP rs750874419, ClinGen allele CA10042629.

ClinVar aggregate classification (germline): Uncertain significance (1 of 4 stars; one submission).

Conditions:
Autosomal recessive nonsyndromic hearing loss 8 (DFNB8). Also called: NEUROSENSORY NONSYNDROMIC RECESSIVE DEAFNESS 8; Deafness, autosomal recessive 10. Identifiers: Orphanet 90636, MedGen C1832827, MONDO:0010987, OMIM 601072.

Submission:

MVZ Medizinische Genetik Mainz
Classification: Uncertain significance for Autosomal recessive nonsyndromic hearing loss 8. Last evaluated: 2022-02-24. Review status: criteria provided, single submitter. Criteria: UK Practice Guidelines For Variant Classification V4 01 2020. Collection method: clinical testing. Allele origin: germline. Inheritance: Autosomal recessive inheritance. Affected: yes. Observed: 1 variant allele.
Comment: ACMG Criteria: PM2_SUP